The following is an entry in ClinVar:

ClinVar aggregate classification (germline): Conflicting classifications of pathogenicity. Review status: criteria provided, conflicting classifications (1 of 4 stars). 4 submissions from 4 submitters: Likely pathogenic (1); Uncertain significance (3). Last evaluated 2025-04-14.

Conditions:
ABCA4-related disorder. Also called: ABCA4-related condition; ABCA4-related disorders. Identifiers: MedGen CN239167.

Allele frequency attached by ClinVar (database versions not stated): gnomAD 0.00001 and 0.00007; TOPMed 0.00003; ExAC 0.00006; gnomAD exomes 0.00008; 1000 Genomes Project 30x 0.00016; 1000 Genomes Project 0.00020.
gnomAD v4.1: 53 of 1,614,196 alleles (0.0033%); highest among the groups gnomAD compares: East Asian, 0.033%; 1 homozygote.

Submissions (4):

Labcorp Genetics (formerly Invitae), Labcorp
Classification: Uncertain significance. Last evaluated: 2025-04-14. Review status: criteria provided, single submitter. Criteria: Invitae Variant Classification Sherloc (09022015). Collection method: clinical testing. Allele origin: germline.
Comment: This sequence change replaces valine, which is neutral and non-polar, with isoleucine, which is neutral and non-polar, at codon 989 of the ABCA4 protein (p.Val989Ile). This variant is present in population databases (rs552307838, gnomAD 0.04%). This missense change has been observed in individual(s) with retinitis pigmentosa (PMID: 29641573). ClinVar contains an entry for this variant (Variation ID: 875783). Invitae Evidence Modeling of protein sequence and biophysical properties (such as structural, functional, and spatial information, amino acid conservation, physicochemical variation, residue mobility, and thermodynamic stability) indicates that this missense variant is not expected to disrupt ABCA4 protein function with a negative predictive value of 95%. This variant disrupts the p.Val989 amino acid residue in ABCA4. Other variant(s) that disrupt this residue have been determined to be pathogenic (PMID: 22247458, 23755871, 25066811, 28327576; internal data). This suggests that this residue is clinically significant, and that variants that disrupt this residue are likely to be disease-causing. In summary, the available evidence is currently insufficient to determine the role of this variant in disease. Therefore, it has been classified as a Variant of Uncertain Significance.

Blueprint Genetics
Classification: Likely pathogenic for ABCA4-related disorders. Last evaluated: 2024-09-10. Review status: criteria provided, single submitter. Criteria: ACMG Guidelines, 2015. Collection method: clinical testing. Allele origin: germline. Affected: yes. Observed: 5 variant alleles.

GeneDx
Classification: Uncertain significance. Last evaluated: 2019-03-26. Review status: criteria provided, single submitter. Criteria: GeneDx Variant Classification Process June 2021. Collection method: clinical testing. Allele origin: germline. Affected: yes.
Comment: In silico analysis, which includes protein predictors and evolutionary conservation, supports that this variant does not alter protein structure/function; Identified with a second ABCA4 variant in a patient with retinitis pigmentosa in published literature (Huang et al., 2018).; This variant is associated with the following publications: (PMID: 29641573)

Illumina Laboratory Services, Illumina
Classification: Uncertain significance for ABCA4-Related Disorders. Last evaluated: 2017-04-27. Review status: criteria provided, single submitter. Criteria: ICSL Variant Classification Criteria 13 December 2019. Collection method: clinical testing. Allele origin: germline.

Literature cited by the submitters: PubMed 29641573 (cited by Labcorp Genetics (formerly Invitae), Labcorp); PubMed 22247458 (cited by Labcorp Genetics (formerly Invitae), Labcorp); PubMed 23755871 (cited by Labcorp Genetics (formerly Invitae), Labcorp); PubMed 25066811 (cited by Labcorp Genetics (formerly Invitae), Labcorp); PubMed 28327576 (cited by Labcorp Genetics (formerly Invitae), Labcorp).

NM_000350.3(ABCA4):c.2965G>A (p.Val989Ile)

Gene: ABCA4 (ATP binding cassette subfamily A member 4; minus strand). Cytogenetic location: 1p22.1.
Variant type: single nucleotide variant.
Coding change: c.2965G>A on transcript NM_000350.3 (MANE Select); coding-DNA position 2965, G replaced by A.
Protein change: p.Val989Ile; replaces valine 989 with isoleucine.
Molecular consequence: missense variant.
Genome position (GRCh38, 1-based): chr1:94,044,698, C>T on the plus strand (G>A on the coding strand, the complement: ABCA4 is on the minus strand). VCF-style: chr1-94044698-C-T. GRCh37 (hg19) VCF-style: chr1-94510254-C-T.
Other names: c.2743G>A, p.Val915Ile (NM_001425324.1); short protein forms V989I, V915I.
Identifiers: ClinVar variation 875783 (VCV000875783.13), dbSNP rs552307838, ClinGen allele CA958086.